The following is an entry in ClinVar:

ClinVar aggregate classification (germline): Uncertain significance (1 of 4 stars; one submission).

Submission:

Labcorp Genetics (formerly Invitae), Labcorp
Classification: Uncertain significance. Last evaluated: 2025-08-18. Review status: criteria provided, single submitter. Criteria: Invitae Variant Classification Sherloc (09022015). Collection method: clinical testing. Allele origin: germline.
Comment: This sequence change replaces glutamic acid, which is acidic and polar, with lysine, which is basic and polar, at codon 364 of the CASQ1 protein (p.Glu364Lys). This variant is present in population databases (rs756999370, gnomAD 0.03%). This missense change has been observed in individual(s) with malignant hyperthermia susceptibility (PMID: 27832566). An algorithm developed to predict the effect of missense changes on protein structure and function (PolyPhen-2) suggests that this variant is likely to be tolerated. In summary, the available evidence is currently insufficient to determine the role of this variant in disease. Therefore, it has been classified as a Variant of Uncertain Significance.

Literature cited by the submitters: PubMed 27832566.

NM_001231.5(CASQ1):c.1090G>A (p.Glu364Lys)

Gene: CASQ1 (calsequestrin 1; plus strand). Cytogenetic location: 1q23.2.
Variant type: single nucleotide variant.
Coding change: c.1090G>A on transcript NM_001231.5 (MANE Select); coding-DNA position 1090, G replaced by A.
Protein change: p.Glu364Lys; replaces glutamic acid 364 with lysine.
Molecular consequence: missense variant.
Genome position (GRCh38, 1-based): chr1:160,201,275, G>A. VCF-style: chr1-160201275-G-A. GRCh37 (hg19) VCF-style: chr1-160171065-G-A.
Other names: short protein forms E364K.
Identifiers: ClinVar variation 4737567 (VCV004737567.1).
Genomic context (GRCh38, chr1:160,201,275, plus strand): 5'-GCTTCCGTCCCTGCCTGTGCCATCTCCTAGGCGGATAGCGTATGGATGGAAATGGACGAT[G>A]AGGAGGACCTGCCTTCTGCTGAGGAGCTGGAGGACTGGCTGGAGGATGTCCTGGAGGGCG-3'
Protein context (NP_001222.3, residues 354-374): ADSVWMEMDD[Glu364Lys]EDLPSAEELE